The following is an entry in ClinVar:

ClinVar aggregate classification (germline): Uncertain significance (1 of 4 stars; one submission).

Conditions:
Myopathy, proximal, and ophthalmoplegia (CMYO6). Also called: MYOPATHY WITH CONGENITAL JOINT CONTRACTURES, OPHTHALMOPLEGIA, AND RIMMED VACUOLES; INCLUSION BODY MYOPATHY 3, AUTOSOMAL DOMINANT; CONGENITAL MYOPATHY 6 WITH OPHTHALMOPLEGIA. Identifiers: Orphanet 363677, Orphanet 79091, MedGen C1854106, MONDO:0011577, OMIM 605637.

gnomAD v4.1: 4 of 1,614,190 alleles (0.00025%); highest among the groups gnomAD compares: African/African-American, 0.0053%; no homozygotes.

Submission:

Labcorp Genetics (formerly Invitae), Labcorp
Classification: Uncertain significance for Myopathy, proximal, and ophthalmoplegia. Last evaluated: 2024-06-08. Review status: criteria provided, single submitter. Criteria: Invitae Variant Classification Sherloc (09022015). Collection method: clinical testing. Allele origin: germline.
Comment: This sequence change replaces methionine, which is neutral and non-polar, with isoleucine, which is neutral and non-polar, at codon 883 of the MYH2 protein (p.Met883Ile). This variant is present in population databases (rs753025570, gnomAD 0.01%). This variant has not been reported in the literature in individuals affected with MYH2-related conditions. Advanced modeling of protein sequence and biophysical properties (such as structural, functional, and spatial information, amino acid conservation, physicochemical variation, residue mobility, and thermodynamic stability) performed at Invitae indicates that this missense variant is not expected to disrupt MYH2 protein function with a negative predictive value of 80%. In summary, the available evidence is currently insufficient to determine the role of this variant in disease. Therefore, it has been classified as a Variant of Uncertain Significance.

NM_017534.6(MYH2):c.2649G>A (p.Met883Ile)

Genes: MYHAS (myosin heavy chain gene cluster antisense RNA; plus strand), MYH2 (myosin heavy chain 2; minus strand). Cytogenetic location: 17p13.1.
Variant type: single nucleotide variant.
Coding change: c.2649G>A on transcript NM_017534.6 (MANE Select); coding-DNA position 2649, G replaced by A.
Protein change: p.Met883Ile; replaces methionine 883 with isoleucine.
Molecular consequence: missense variant.
Genome position (GRCh38, 1-based): chr17:10,531,681, C>T on the plus strand (G>A on the coding strand, the complement: MYH2 is on the minus strand). VCF-style: chr17-10531681-C-T. GRCh37 (hg19) VCF-style: chr17-10434998-C-T.
Other names: c.2649G>A, p.Met883Ile (NM_001100112.2); short protein forms M883I.
Identifiers: ClinVar variation 3643337 (VCV003643337.2).
Genomic context (GRCh38, chr17:10,531,681, plus strand): 5'-ATTCCAACTCACAGCCTGAACTTGGAGCTGCAAGTCATTTTTTTCTTTCAACAGCGTCAC[C>T]ATCTTTTCTTCCAGTTCCTTCCTTTTTGCCTCTGACTTGGCAAGTTCGTCTTTAATTTTC-3'
Protein context (NP_060004.3, residues 873-893): EAKRKELEEK[Met883Ile]VTLLKEKNDL